The following is an entry in ClinVar:

NM_000535.7(PMS2):c.851del (p.Ser283_Ser284insTer)

Gene: PMS2 (PMS1 homolog 2, mismatch repair system component; minus strand). Cytogenetic location: 7p22.1.
Variant type: Deletion.
Coding change: c.851del on transcript NM_000535.7 (MANE Select); coding-DNA position 851, one base deleted (C; older notation c.851delC).
Protein change: p.Ser283_Ser284insTer.
Molecular consequence: nonsense. On other transcripts: 5 prime UTR variant (2), non-coding transcript variant (1).
Genome position (GRCh38, 1-based): chr7:5,995,586, G deleted on the plus strand (C on the coding strand, the reverse complement: PMS2 is on the minus strand). VCF-style (leftmost placement, unchanged base first): chr7-5995585-TG-T. GRCh37 (hg19) VCF-style: chr7-6035216-TG-T.
Other names: c.446del, p.Ser148_Ser149insTer (NM_001322003.2, NM_001322004.2, NM_001322005.2 and 2 more transcripts); c.851del, p.Ser283_Ser284insTer (NM_001322006.2, NM_001322014.2); c.533del, p.Ser177_Ser178insTer (NM_001322007.2, NM_001322008.2); c.-83del (NM_001322011.2, NM_001322012.2); c.278del, p.Ser92_Ser93insTer (NM_001322013.2); c.542del, p.Ser180_Ser181insTer (NM_001322015.2); c.851delC (NM_000535.5).
Identifiers: ClinVar variation 231108 (VCV000231108.14), dbSNP rs876658964, ClinGen allele CA10578695.

ClinVar aggregate classification (germline): Pathogenic/Likely pathogenic. Review status: criteria provided, multiple submitters, no conflicts (2 of 4 stars). 6 submissions from 6 submitters: Pathogenic (5); Likely pathogenic (1). Last evaluated 2025-06-13.

Conditions:
Lynch syndrome. Identifiers: Orphanet 144, MedGen C4552100, MONDO:0005835. Disease mechanism: loss of function.
Hereditary cancer-predisposing syndrome. Also called: Neoplastic Syndromes, Hereditary; Tumor predisposition; Hereditary Cancer Syndrome; Hereditary neoplastic syndrome. Identifiers: Orphanet 140162, MedGen C0027672, MeSH D009386, MONDO:0015356.
Hereditary nonpolyposis colorectal neoplasms. Identifiers: MedGen C0009405, MeSH D003123.
Lynch syndrome 4 (LYNCH4). Also called: Colorectal cancer, hereditary nonpolyposis, type 4; Hereditary non-polyposis colorectal cancer, type 4. Identifiers: Orphanet 144, MedGen C1838333, MONDO:0013699, OMIM 614337. Disease mechanism: loss of function.

Submissions (6):

Ambry Genetics
Classification: Pathogenic for Hereditary cancer-predisposing syndrome. Last evaluated: 2025-06-13. Review status: criteria provided, single submitter. Criteria: Ambry Variant Classification Scheme 2023. Collection method: clinical testing. Allele origin: germline.
Comment: The c.851delC pathogenic mutation, located in coding exon 8 of the PMS2 gene, results from a deletion of one nucleotide at nucleotide position 851, causing a translational frameshift with a predicted alternate stop codon (p.S284*). This mutation has been identified in a patient undergoing multi-gene panel testing for a personal and/or family history of cancer (Espenschied CR et al. J Clin Oncol, 2017 Aug;35:2568-2575). In addition to the clinical data presented in the literature, this alteration is expected to result in loss of function by premature protein truncation or nonsense-mediated mRNA decay. As such, this alteration is interpreted as a disease-causing mutation.

Myriad Genetics, Inc.
Classification: Pathogenic for Lynch syndrome 4. Last evaluated: 2023-09-19. Review status: criteria provided, single submitter. Criteria: Myriad Autosomal Dominant, Autosomal Recessive and X-Linked Classification Criteria (2023). Collection method: clinical testing. Allele origin: unknown.
Comment: This variant is considered pathogenic. This variant creates a termination codon and is predicted to result in premature protein truncation.

Labcorp Genetics (formerly Invitae), Labcorp
Classification: Pathogenic for Hereditary nonpolyposis colorectal neoplasms. Last evaluated: 2023-03-27. Review status: criteria provided, single submitter. Criteria: Invitae Variant Classification Sherloc (09022015). Collection method: clinical testing. Allele origin: germline.
Comment: This variant is not present in population databases (gnomAD no frequency). This sequence change creates a premature translational stop signal (p.Ser284*) in the PMS2 gene. It is expected to result in an absent or disrupted protein product. Loss-of-function variants in PMS2 are known to be pathogenic (PMID: 21376568, 24362816). This variant has not been reported in the literature in individuals affected with PMS2-related conditions. For these reasons, this variant has been classified as Pathogenic. ClinVar contains an entry for this variant (Variation ID: 231108).

Baylor Genetics
Classification: Pathogenic for Lynch syndrome 4. Last evaluated: 2022-06-24. Review status: criteria provided, single submitter. Criteria: ACMG Guidelines, 2015. Collection method: clinical testing. Allele origin: unknown.

GeneDx
Classification: Pathogenic. Last evaluated: 2022-04-15. Review status: criteria provided, single submitter. Criteria: GeneDx Variant Classification Process June 2021. Collection method: clinical testing. Allele origin: germline. Affected: yes.
Comment: Nonsense variant predicted to result in protein truncation or nonsense mediated decay in a gene for which loss of function is a known mechanism of disease; Not observed at significant frequency in large population cohorts (gnomAD); Truncating variants in this gene are considered pathogenic by a well-established clinical consortium and/or database; Observed in an individual undergoing multigene panel testing in the published literature (Espenschied 2017); This variant is associated with the following publications: (PMID: 28514183)

Women's Health and Genetics/Laboratory Corporation of America, LabCorp
Classification: Likely pathogenic for Hereditary nonpolyposis colon cancer. Last evaluated: 2017-07-10. Review status: criteria provided, single submitter. Criteria: LabCorp Variant Classification Summary - May 2015. Collection method: clinical testing. Allele origin: germline.
Comment: Variant summary: The PMS2 c.851delC (p.Ser284X) variant results in a premature termination codon, predicted to cause a truncated or absent PMS2 protein due to nonsense mediated decay, which are commonly known mechanisms for disease. Truncations downstream of this position have been classified as pathogenic by our laboratory (e.g. c.861_864delACAG, p.Arg287fsX19; c.1021delA, p.Arg341fsX15; c.1164delT, p.His388fsX10). One in silico tool predicts a damaging outcome for this variant. This variant is absent in 121008 control chromosomes and has been reported in the literature in a cohort of individuals being tested by a multi-gene panel, with no phenotype data provided for the individual carrying the variant (Espenschied_2017). Multiple clinical diagnostic laboratories/reputable databases classified this variant as pathogenic. Taken together, this variant is classified as likely pathogenic.

Literature cited by the submitters: PubMed 21376568 (cited by Labcorp Genetics (formerly Invitae), Labcorp); PubMed 24362816 (cited by Labcorp Genetics (formerly Invitae), Labcorp); PubMed 28514183 (cited by Women's Health and Genetics/Laboratory Corporation of America, LabCorp).